The following is an entry in ClinVar:

NM_001114753.3(ENG):c.277C>G (p.Arg93Gly)

Gene: ENG (endoglin; minus strand). Cytogenetic location: 9q34.11.
Variant type: single nucleotide variant.
Coding change: c.277C>G on transcript NM_001114753.3 (MANE Select); coding-DNA position 277, C replaced by G.
Protein change: p.Arg93Gly; replaces arginine 93 with glycine.
Molecular consequence: missense variant. On other transcripts: 5 prime UTR variant (1).
Genome position (GRCh38, 1-based): chr9:127,829,770, G>C on the plus strand (C>G on the coding strand, the complement: ENG is on the minus strand). VCF-style: chr9-127829770-G-C. GRCh37 (hg19) VCF-style: chr9-130592049-G-C.
Other names: c.277C>G, p.Arg93Gly (NM_000118.4, NM_001406715.1); c.-270C>G (NM_001278138.2); short protein forms R93G.
Identifiers: ClinVar variation 2731779 (VCV002731779.3), dbSNP rs886039506, ClinGen allele CA374986165.

ClinVar aggregate classification (germline): Uncertain significance (1 of 4 stars; one submission).

Conditions:
Hereditary hemorrhagic telangiectasia (HHT). Also called: ORW DISEASE; Osler Weber Rendu syndrome; OSLER-RENDU-WEBER DISEASE; Osler hemorrhagic telangiectasia syndrome. Identifiers: Orphanet 774, MedGen C0039445, MONDO:0019180. Disease mechanism: loss of function.

gnomAD v4.1: 1 of 1,614,134 alleles (0.000062%); highest among the groups gnomAD compares: Non-Finnish European, 0.000085%; no homozygotes.

Submission:

Labcorp Genetics (formerly Invitae), Labcorp
Classification: Uncertain significance for Hereditary hemorrhagic telangiectasia. Last evaluated: 2024-04-08. Review status: criteria provided, single submitter. Criteria: Invitae Variant Classification Sherloc (09022015). Collection method: clinical testing. Allele origin: germline.
Comment: This sequence change replaces arginine, which is basic and polar, with glycine, which is neutral and non-polar, at codon 93 of the ENG protein (p.Arg93Gly). This variant is not present in population databases (gnomAD no frequency). This variant has not been reported in the literature in individuals affected with ENG-related conditions. Advanced modeling of protein sequence and biophysical properties (such as structural, functional, and spatial information, amino acid conservation, physicochemical variation, residue mobility, and thermodynamic stability) has been performed at Invitae for this missense variant, however the output from this modeling did not meet the statistical confidence thresholds required to predict the impact of this variant on ENG protein function. In summary, the available evidence is currently insufficient to determine the role of this variant in disease. Therefore, it has been classified as a Variant of Uncertain Significance.